The following is an entry in ClinVar:

NM_001943.5(DSG2):c.1427A>T (p.Tyr476Phe)

Gene: DSG2 (desmoglein 2; plus strand). Cytogenetic location: 18q12.1.
Variant type: single nucleotide variant.
Coding change: c.1427A>T on transcript NM_001943.5 (MANE Select); coding-DNA position 1427, A replaced by T.
Protein change: p.Tyr476Phe; replaces tyrosine 476 with phenylalanine.
Molecular consequence: missense variant.
Genome position (GRCh38, 1-based): chr18:31,536,205, A>T. VCF-style: chr18-31536205-A-T. GRCh37 (hg19) VCF-style: chr18-29116168-A-T.
Other names: short protein forms Y476F.
Identifiers: ClinVar variation 2448377 (VCV002448377.2), dbSNP rs2510917765, ClinGen allele CA402141110.
Genomic context (GRCh38, chr18:31,536,205, plus strand): 5'-TGTCTGTTGTCAGCAATAGGAACAGAATGTACATACTTTTTCTCTCTTATTTTTAAGATT[A>T]TCCTAGAAAAACCATCACTGGCACAGTCCTTATCAATGTTGAAGACATCAACGACAACTG-3'
Protein context (NP_001934.2, residues 466-486): TVKIVAISED[Tyr476Phe]PRKTITGTVL

ClinVar aggregate classification (germline): Uncertain significance (1 of 4 stars; one submission).

Conditions:
Cardiovascular phenotype. Identifiers: MedGen CN230736.

Allele frequency attached by ClinVar (database versions not stated): gnomAD exomes 0.00001.
gnomAD v4.1: 6 of 1,614,002 alleles (0.00037%); highest among the groups gnomAD compares: Non-Finnish European, 0.00051%; no homozygotes.

Submission:

Ambry Genetics
Classification: Uncertain significance for Cardiovascular phenotype. Last evaluated: 2023-02-16. Review status: criteria provided, single submitter. Criteria: Ambry Variant Classification Scheme 2023. Collection method: clinical testing. Allele origin: germline.
Comment: The p.Y476F variant (also known as c.1427A>T), located in coding exon 11 of the DSG2 gene, results from an A to T substitution at nucleotide position 1427. The tyrosine at codon 476 is replaced by phenylalanine, an amino acid with highly similar properties. This amino acid position is conserved. In addition, this alteration is predicted to be tolerated by in silico analysis. Since supporting evidence is limited at this time, the clinical significance of this alteration remains unclear.